The following is an entry in ClinVar:

ClinVar aggregate classification (germline): Conflicting classifications of pathogenicity. Review status: criteria provided, conflicting classifications (1 of 4 stars). 3 submissions from 3 submitters: Uncertain significance (2); Likely benign (1). Last evaluated 2024-09-09.

Conditions:
Autosomal recessive nonsyndromic hearing loss 97. Also called: Deafness, autosomal recessive 97. Identifiers: Orphanet 90636, MedGen C4084709, MONDO:0014739, OMIM 616705.
Renal cell carcinoma. Identifiers: Orphanet 217071, MedGen C0007134, MeSH D002292, MONDO:0005086, HP:0005584.
Hereditary cancer-predisposing syndrome. Also called: Neoplastic Syndromes, Hereditary; Tumor predisposition; Hereditary Cancer Syndrome; Hereditary neoplastic syndrome. Identifiers: Orphanet 140162, MedGen C0027672, MeSH D009386, MONDO:0015356.

Allele frequency attached by ClinVar (database versions not stated): ExAC 0.00001; gnomAD 0.00001.
gnomAD v4.1: 5 of 1,613,910 alleles (0.00031%); highest among the groups gnomAD compares: South Asian, 0.0033%; no homozygotes.

Submissions (3):

Ambry Genetics
Classification: Likely benign for Hereditary cancer-predisposing syndrome. Last evaluated: 2024-09-09. Review status: criteria provided, single submitter. Criteria: Ambry Variant Classification Scheme 2023. Collection method: clinical testing. Allele origin: germline.

Labcorp Genetics (formerly Invitae), Labcorp
Classification: Uncertain significance for Renal cell carcinoma. Last evaluated: 2024-08-13. Review status: criteria provided, single submitter. Criteria: Invitae Variant Classification Sherloc (09022015). Collection method: clinical testing. Allele origin: germline.
Comment: This sequence change replaces threonine, which is neutral and polar, with asparagine, which is neutral and polar, at codon 67 of the MET protein (p.Thr67Asn). This variant is present in population databases (rs200023903, gnomAD 0.003%). This variant has not been reported in the literature in individuals affected with MET-related conditions. ClinVar contains an entry for this variant (Variation ID: 1784380). Advanced modeling of protein sequence and biophysical properties (such as structural, functional, and spatial information, amino acid conservation, physicochemical variation, residue mobility, and thermodynamic stability) performed at Invitae indicates that this missense variant is not expected to disrupt MET protein function with a negative predictive value of 80%. In summary, the available evidence is currently insufficient to determine the role of this variant in disease. Therefore, it has been classified as a Variant of Uncertain Significance.

Baylor Genetics
Classification: Uncertain significance for Autosomal recessive nonsyndromic hearing loss 97. Last evaluated: 2023-05-24. Review status: criteria provided, single submitter. Criteria: ACMG Guidelines, 2015. Collection method: clinical testing. Allele origin: unknown.

NM_000245.4(MET):c.200C>A (p.Thr67Asn)

Gene: MET (MET proto-oncogene, receptor tyrosine kinase; plus strand). Cytogenetic location: 7q31.2.
Variant type: single nucleotide variant.
Coding change: c.200C>A on transcript NM_000245.4 (MANE Select); coding-DNA position 200, C replaced by A.
Protein change: p.Thr67Asn; replaces threonine 67 with asparagine.
Molecular consequence: missense variant. On other transcripts: intron variant (1).
Genome position (GRCh38, 1-based): chr7:116,699,284, C>A. VCF-style: chr7-116699284-C-A. GRCh37 (hg19) VCF-style: chr7-116339338-C-A.
Other names: c.200C>A, p.Thr67Asn (NM_001127500.3, NM_001324401.3); c.-91+26707C>A (NM_001324402.2); short protein forms T67N.
Identifiers: ClinVar variation 1784380 (VCV001784380.6), dbSNP rs200023903, ClinGen allele CA4447959.